The following is an entry in ClinVar:

NM_000548.5(TSC2):c.1377C>T (p.Gly459=)

Gene: TSC2 (TSC complex subunit 2; plus strand). Cytogenetic location: 16p13.3.
Variant type: single nucleotide variant.
Coding change: c.1377C>T on transcript NM_000548.5 (MANE Select); coding-DNA position 1377, C replaced by T.
Protein change: p.Gly459=; no amino-acid change (glycine 459 retained).
Molecular consequence: synonymous variant.
Genome position (GRCh38, 1-based): chr16:2,062,987, C>T. VCF-style: chr16-2062987-C-T. GRCh37 (hg19) VCF-style: chr16-2112988-C-T.
Other names: p.G459G:GGC>GGT; p.Gly459=; c.1377C>T (NM_000548.4); c.1377C>T, p.Gly459= (NM_001077183.3, NM_001114382.3, NM_001363528.2 and 3 more transcripts); c.1266C>T, p.Gly422= (NM_001318827.2); c.1230C>T, p.Gly410= (NM_001318829.2); c.777C>T, p.Gly259= (NM_001318831.2); c.1410C>T, p.Gly470= (NM_001318832.2).
Identifiers: ClinVar variation 49154 (VCV000049154.54), dbSNP rs45517170, ClinGen allele CA014620.

ClinVar aggregate classification (germline): Benign/Likely benign. Review status: criteria provided, multiple submitters, no conflicts (2 of 4 stars). 14 submissions from 14 submitters: Benign (8); Likely benign (5). 1 of the submissions does not count toward it. Last evaluated 2026-07-01.

Conditions:
Hereditary cancer-predisposing syndrome. Also called: Neoplastic Syndromes, Hereditary; Tumor predisposition; Hereditary Cancer Syndrome; Hereditary neoplastic syndrome. Identifiers: Orphanet 140162, MedGen C0027672, MeSH D009386, MONDO:0015356.
Tuberous sclerosis syndrome (TSC). Also called: Tuberous Sclerosis Complex; Tuberous sclerosis. Identifiers: Orphanet 805, MedGen C0041341, MONDO:0001734.
Tuberous sclerosis 2 (TSC2). Identifiers: Orphanet 805, MedGen C1860707, MONDO:0013199, OMIM 613254.

Allele frequency attached by ClinVar (database versions not stated): 1000 Genomes Project 30x 0.00016; gnomAD 0.00019; ExAC 0.00044; ESP Exome Variant Server 0.00053; TOPMed 0.00061; gnomAD exomes 0.00066.
gnomAD v4.1: 1,132 of 1,550,996 alleles (0.073%); highest among the groups gnomAD compares: Admixed American, 0.12%; 1 homozygote.

Submissions (14):

CeGaT Center for Human Genetics Tuebingen
Classification: Likely benign. Last evaluated: 2026-07-01. Review status: criteria provided, single submitter. Criteria: CeGaT Center For Human Genetics Tuebingen Variant Classification Criteria Version 2. Collection method: clinical testing. Allele origin: germline. Affected: yes. Observed: 11 variant alleles.
Comment: TSC2: BP4, BP7, BS1

Labcorp Genetics (formerly Invitae), Labcorp
Classification: Benign for Tuberous sclerosis 2. Last evaluated: 2026-02-03. Review status: criteria provided, single submitter. Criteria: Invitae Variant Classification Sherloc (09022015). Collection method: clinical testing. Allele origin: germline.

Mayo Clinic Laboratories, Mayo Clinic
Classification: Benign. Last evaluated: 2025-10-14. Review status: criteria provided, single submitter. Criteria: ACMG Guidelines, 2015. Collection method: clinical testing. Allele origin: germline. Observed: 4 variant alleles.
Comment: BS1, BS2, BP4, BP7

Myriad Genetics, Inc.
Classification: Benign for Tuberous sclerosis 2. Last evaluated: 2025-05-14. Review status: criteria provided, single submitter. Criteria: Myriad Autosomal Dominant, Autosomal Recessive and X-Linked Classification Criteria (2023). Collection method: clinical testing. Allele origin: unknown.
Comment: This variant is considered benign. This variant is a silent/synonymous amino acid change and it is not expected to impact splicing.

Blueprint Genetics
Classification: Likely benign. Last evaluated: 2024-11-22. Review status: criteria provided, single submitter. Criteria: ACMG Guidelines, 2015. Collection method: clinical testing. Allele origin: germline.

KCCC/NGS Laboratory, Kuwait Cancer Control Center
Classification: Benign for Tuberous sclerosis 2. Last evaluated: 2023-07-07. Review status: criteria provided, single submitter. Criteria: ACMG Guidelines, 2015. Collection method: clinical testing. Allele origin: germline. Affected: yes.

Color Diagnostics, LLC DBA Color Health
Classification: Benign for Tuberous sclerosis syndrome. Last evaluated: 2022-09-07. Review status: criteria provided, single submitter. Criteria: ACMG Guidelines, 2015. Collection method: clinical testing. Allele origin: germline.

Genome-Nilou Lab
Classification: Benign for Tuberous sclerosis 2. Last evaluated: 2021-11-07. Review status: criteria provided, single submitter. Criteria: ACMG Guidelines, 2015. Collection method: clinical testing. Allele origin: germline. Affected: no.

Sema4
Classification: Likely benign for Hereditary cancer-predisposing syndrome. Last evaluated: 2020-12-30. Review status: criteria provided, single submitter. Criteria: Sema4 Curation Guidelines. Collection method: curation. Allele origin: germline.

Ambry Genetics
Classification: Likely benign for Hereditary cancer-predisposing syndrome. Last evaluated: 2018-08-31. Review status: criteria provided, single submitter. Criteria: Ambry Variant Classification Scheme 2023. Collection method: clinical testing. Allele origin: germline.

Athena Diagnostics
Classification: Benign for Tuberous sclerosis 2. Last evaluated: 2017-05-25. Review status: criteria provided, single submitter. Criteria: Athena Diagnostics Criteria. Collection method: clinical testing. Allele origin: germline.

Illumina Laboratory Services, Illumina
Classification: Likely benign for Tuberous sclerosis syndrome. Last evaluated: 2017-04-27. Review status: criteria provided, single submitter. Criteria: ICSL Variant Classification Criteria 13 December 2019. Collection method: clinical testing. Allele origin: germline.
Comment: This variant was observed as part of a predisposition screen in an ostensibly healthy population. A literature search was performed for the gene, cDNA change, and amino acid change (where applicable). No publications were found based on this search. Allele frequency data from public databases allowed determination this variant is unlikely to cause disease. Therefore, this variant is classified as likely benign.

GeneDx
Classification: Benign. Last evaluated: 2013-03-05. Review status: criteria provided, single submitter. Criteria: GeneDx Variant Classification (06012015). Collection method: clinical testing. Allele origin: germline. Affected: yes.
Comment: This variant is considered likely benign or benign based on one or more of the following criteria: it is a conservative change, it occurs at a poorly conserved position in the protein, it is predicted to be benign by multiple in silico algorithms, and/or has population frequency not consistent with disease.

Tuberous sclerosis database (TSC2)
No classification provided. Condition: TSC. Review status: no classification provided. Criteria: Tuberous Sclerosis Database Assertion Criteria 2015. Collection method: curation. Allele origin: germline. Affected: yes. Not counted in ClinVar's aggregate classification.

Literature cited by the submitters: PubMed 10205261 (cited by Mayo Clinic Laboratories, Mayo Clinic and Athena Diagnostics); PubMed 17304050 (cited by Mayo Clinic Laboratories, Mayo Clinic and Athena Diagnostics).